The following is an entry in ClinVar:

NM_015178.3(RHOBTB2):c.730G>A (p.Val244Met)

Gene: RHOBTB2 (Rho related BTB domain containing 2; plus strand). Cytogenetic location: 8p21.3.
Variant type: single nucleotide variant.
Coding change: c.730G>A on transcript NM_015178.3 (MANE Select); coding-DNA position 730, G replaced by A.
Protein change: p.Val244Met; replaces valine 244 with methionine.
Molecular consequence: missense variant.
Genome position (GRCh38, 1-based): chr8:23,006,975, G>A. VCF-style: chr8-23006975-G-A. GRCh37 (hg19) VCF-style: chr8-22864488-G-A.
Other names: c.796G>A, p.Val266Met (NM_001160036.2); c.751G>A, p.Val251Met (NM_001160037.2); c.730G>A, p.Val244Met (NM_001374791.1); short protein forms V244M, V251M, V266M.
Identifiers: ClinVar variation 1169698 (VCV001169698.15), dbSNP rs115376990, ClinGen allele CA4672524.

ClinVar aggregate classification (germline): Benign/Likely benign. Review status: criteria provided, multiple submitters, no conflicts (2 of 4 stars). 4 submissions from 4 submitters: Benign (2); Likely benign (2). Last evaluated 2026-02-03.

Allele frequency attached by ClinVar (database versions not stated): 1000 Genomes Project 30x 0.00281; 1000 Genomes Project 0.00339; gnomAD 0.00365 and 0.00396; ESP Exome Variant Server 0.00415; TOPMed 0.00434.

Submissions (4):

Labcorp Genetics (formerly Invitae), Labcorp
Classification: Benign. Last evaluated: 2026-02-03. Review status: criteria provided, single submitter. Criteria: Invitae Variant Classification Sherloc (09022015). Collection method: clinical testing. Allele origin: germline.

CeGaT Center for Human Genetics Tuebingen
Classification: Likely benign. Last evaluated: 2025-10-01. Review status: criteria provided, single submitter. Criteria: CeGaT Center For Human Genetics Tuebingen Variant Classification Criteria Version 2. Collection method: clinical testing. Allele origin: germline. Affected: yes. Observed: 1 variant allele.
Comment: RHOBTB2: BS1

Blueprint Genetics
Classification: Likely benign. Last evaluated: 2024-11-25. Review status: criteria provided, single submitter. Criteria: ACMG Guidelines, 2015. Collection method: clinical testing. Allele origin: germline.

Breakthrough Genomics
Classification: Benign. Review status: criteria provided, single submitter. Criteria: ACMG Guidelines, 2015. Collection method: not provided. Allele origin: germline. Inheritance: Autosomal dominant inheritance. Affected: yes.